The following is an entry in ClinVar:

NM_005876.5(SPEG):c.4826+2_4826+7dup

Gene: SPEG (striated muscle enriched protein kinase; plus strand). Cytogenetic location: 2q35.
Variant type: Duplication.
Coding change: c.4826+2_4826+7dup on transcript NM_005876.5 (MANE Select); the canonical splice donor site of the intron after coding-DNA position 4826 through 7 bases into the intron after coding-DNA position 4826, 6 bases duplicated (TGTGGG; older notation c.4826+2_4826+7dupTGTGGG).
Molecular consequence: splice donor variant.
Genome position (GRCh38, 1-based): chr2:219,477,787-219,477,792, TGTGGG duplicated; duplicating any 6 consecutive bases within chr2:219,477,785-219,477,792 gives the same sequence; the c. name uses the placement nearest the transcript's 3' end. VCF-style (leftmost placement, unchanged base first): chr2-219477784-A-AGGTGTG. GRCh37 (hg19) VCF-style: chr2-220342506-A-AGGTGTG.
Identifiers: ClinVar variation 1378671 (VCV001378671.6), dbSNP rs2125519188, ClinGen allele CA2573135271.

ClinVar aggregate classification (germline): Uncertain significance (1 of 4 stars; one submission).

Submission:

Labcorp Genetics (formerly Invitae), Labcorp
Classification: Uncertain significance. Last evaluated: 2022-08-23. Review status: criteria provided, single submitter. Criteria: Invitae Variant Classification Sherloc (09022015). Collection method: clinical testing. Allele origin: germline.
Comment: In summary, the available evidence is currently insufficient to determine the role of this variant in disease. Therefore, it has been classified as a Variant of Uncertain Significance. Algorithms developed to predict the effect of sequence changes on RNA splicing suggest that this variant may disrupt the consensus splice site. ClinVar contains an entry for this variant (Variation ID: 1378671). This variant has not been reported in the literature in individuals affected with SPEG-related conditions. This variant is not present in population databases (gnomAD no frequency). This sequence change falls in intron 21 of the SPEG gene. It does not directly change the encoded amino acid sequence of the SPEG protein.